The following is an entry in ClinVar:

ClinVar aggregate classification (germline): Uncertain significance (1 of 4 stars; one submission).

Conditions:
Intellectual developmental disorder with hypotonia and behavioral abnormalities. Identifiers: MedGen C5231489, MONDO:0032897, OMIM 618748.

Submission:

Juno Genomics, Hangzhou Juno Genomics, Inc
Classification: Uncertain significance for Intellectual developmental disorder with hypotonia and behavioral abnormalities. Review status: criteria provided, single submitter. Criteria: ACMG Guidelines, 2015. Collection method: clinical testing. Allele origin: germline.
Comment: Absent from controls (or at extremely low frequency if recessive) in Genome Aggregation Database.;Protein length changes due to in-frame deletions/insertions in a non-repeat region or stop-loss variants.

NM_001260.3(CDK8):c.1251_1253del (p.Ile417del)

Gene: CDK8 (cyclin dependent kinase 8; plus strand). Cytogenetic location: 13q12.13.
Variant type: Deletion.
Coding change: c.1251_1253del on transcript NM_001260.3 (MANE Select); coding-DNA positions 1251 to 1253, 3 bases deleted (CAT; older notation c.1251_1253delCAT).
Protein change: p.Ile417del; deletes isoleucine 417.
Molecular consequence: inframe deletion.
Genome position (GRCh38, 1-based): chr13:26,401,606-26,401,608, CAT deleted; deleting any 3 consecutive bases within chr13:26,401,604-26,401,608 gives the same sequence; the c. name uses the placement nearest the transcript's 3' end. VCF-style (leftmost placement, unchanged base first): chr13-26401603-TATC-T. GRCh37 (hg19) VCF-style: chr13-26975740-TATC-T.
Other names: c.1248_1250del, p.Ile416del (NM_001318368.2); c.732_734del, p.Ile244del (NM_001346501.2); short protein forms I244del, I416del, I417del.
Identifiers: ClinVar variation 5005238 (VCV005005238.2).
Genomic context (GRCh38, chr13:26,401,603, plus strand): 5'-ACAGGGACCCCCGTTGAAGAAAGTGAGAGTTGTTCCTCCTACCACTACCTCAGGTGGACT[TATC>T]ATGACCTCAGACTATCAGGTATTCCAAGTTTATTTTGTATTGACTGCATGTCAGTGTTTA-3'